The following is an entry in ClinVar:

NM_006610.4(MASP2):c.1647G>A (p.Thr549=)

Genes: MASP2 (MBL associated serine protease 2; minus strand), TARDBP (TAR DNA binding protein; plus strand). Cytogenetic location: 1p36.22.
Variant type: single nucleotide variant.
Coding change: c.1647G>A on transcript NM_006610.4 (MANE Select); coding-DNA position 1647, G replaced by A.
Protein change: p.Thr549=; no amino-acid change (threonine 549 retained).
Molecular consequence: synonymous variant.
Genome position (GRCh38, 1-based): chr1:11,027,299, C>T on the plus strand (G>A on the coding strand, the complement: MASP2 is on the minus strand). VCF-style: chr1-11027299-C-T. GRCh37 (hg19) VCF-style: chr1-11087356-C-T.
Identifiers: ClinVar variation 3047483 (VCV003047483.2), dbSNP rs570098833, ClinGen allele CA586621.

ClinVar aggregate classification (germline): Likely benign (0 of 4 stars; one submission).

Conditions:
MASP2-related disorder. Also called: MASP2-related condition.

Allele frequency attached by ClinVar (database versions not stated): gnomAD 0.00008; TOPMed 0.00020.
gnomAD v4.1: 148 of 1,613,858 alleles (0.0092%); highest among the groups gnomAD compares: Admixed American, 0.19%; no homozygotes.

Submission:

PreventionGenetics, part of Exact Sciences
Classification: Likely benign for MASP2-related condition. Last evaluated: 2020-06-15. Review status: no assertion criteria provided. Collection method: clinical testing. Allele origin: germline.
Comment: This variant is classified as likely benign based on ACMG/AMP sequence variant interpretation guidelines (Richards et al. 2015 PMID: 25741868, with internal and published modifications).